The following is an entry in ClinVar:

NM_000238.4(KCNH2):c.2861G>A (p.Arg954His)

Gene: KCNH2 (potassium voltage-gated channel subfamily H member 2; minus strand). Cytogenetic location: 7q36.1.
Variant type: single nucleotide variant.
Coding change: c.2861G>A on transcript NM_000238.4 (MANE Select); coding-DNA position 2861, G replaced by A.
Protein change: p.Arg954His; replaces arginine 954 with histidine.
Molecular consequence: missense variant.
Genome position (GRCh38, 1-based): chr7:150,947,710, C>T on the plus strand (G>A on the coding strand, the complement: KCNH2 is on the minus strand). VCF-style: chr7-150947710-C-T. GRCh37 (hg19) VCF-style: chr7-150644798-C-T.
Other names: c.1841G>A, p.Arg614His (NM_172057.3); short protein forms R614H, R954H.
Identifiers: ClinVar variation 456917 (VCV000456917.18), dbSNP rs772977598, ClinGen allele CA035126.
Genomic context (GRCh38, chr7:150,947,710, plus strand): 5'-ATCAGGGGCTCCCCACCCGGCGGCTCTCCGGGGGGCCTGGGGCTGGAGAAGGGCACCAGG[C>T]GGAGGGGGCTGGAGCTGCGGCCTGGGCCCTCATCCTCACTGCTCTCAGGGCTGGAGGGGC-3'
Protein context (NP_000229.1, residues 944-964): EGPGRSSSPL[Arg954His]LVPFSSPRPP

ClinVar aggregate classification (germline): Uncertain significance. Review status: criteria provided, multiple submitters, no conflicts (2 of 4 stars). 4 submissions from 4 submitters: Uncertain significance (4). Last evaluated 2026-01-06.

Conditions:
Cardiac arrhythmia. Also called: Cardiac rhythm disease; Arrhythmia. Identifiers: MedGen C0003811, MONDO:0007263, HP:0011675.
Long QT syndrome (LQTS). Identifiers: MedGen C0023976, MeSH D008133, MONDO:0002442. Disease mechanism: loss of function. Inheritance: Various modes of inheritance.

Allele frequency attached by ClinVar (database versions not stated): ExAC below 0.00001; gnomAD 0.00001; TOPMed 0.00001; gnomAD exomes 0.00002.
gnomAD v4.1: 22 of 1,585,020 alleles (0.0014%); highest among the groups gnomAD compares: Admixed American, 0.0018%; no homozygotes.

Submissions (4):

Labcorp Genetics (formerly Invitae), Labcorp
Classification: Uncertain significance for Long QT syndrome. Last evaluated: 2026-01-06. Review status: criteria provided, single submitter. Criteria: Invitae Variant Classification Sherloc (09022015). Collection method: clinical testing. Allele origin: germline.
Comment: This sequence change replaces arginine, which is basic and polar, with histidine, which is basic and polar, at codon 954 of the KCNH2 protein (p.Arg954His). The frequency data for this variant in the population databases is considered unreliable, as metrics indicate poor data quality at this position in the gnomAD database. This missense change has been observed in individuals with with long QT syndrome (PMID: 27026747). ClinVar contains an entry for this variant (Variation ID: 456917). An algorithm developed to predict the effect of missense changes on protein structure and function (PolyPhen-2) suggests that this variant is likely to be disruptive. Algorithms developed to predict the effect of sequence changes on RNA splicing suggest that this variant may create or strengthen a splice site. This variant disrupts the p.Arg954 amino acid residue in KCNH2. Other variant(s) that disrupt this residue have been observed in individuals with KCNH2-related conditions (internal data), which suggests that this may be a clinically significant amino acid residue. In summary, the available evidence is currently insufficient to determine the role of this variant in disease. Therefore, it has been classified as a Variant of Uncertain Significance.

Color Diagnostics, LLC DBA Color Health
Classification: Uncertain significance for Cardiac arrhythmia. Last evaluated: 2025-07-15. Review status: criteria provided, single submitter. Criteria: ACMG Guidelines, 2015. Collection method: clinical testing. Allele origin: germline.
Comment: This missense variant replaces arginine with histidine at codon 954 of the KCNH2 protein. Computational prediction is inconclusive regarding the impact of this variant on protein structure and function. To our knowledge, functional studies have not been reported for this variant. This variant has been identified in an individual affected with long QT syndrome (PMID: 27026747). This variant has been identified in 4/225324 chromosomes in the general population by the Genome Aggregation Database (gnomAD). The available evidence is insufficient to determine the role of this variant in disease conclusively. Therefore, this variant is classified as a Variant of Uncertain Significance.

Blueprint Genetics
Classification: Uncertain significance. Last evaluated: 2024-08-14. Review status: criteria provided, single submitter. Criteria: ACMG Guidelines, 2015. Collection method: clinical testing. Allele origin: germline.

All of Us Research Program, National Institutes of Health
Classification: Uncertain significance for Long QT syndrome. Last evaluated: 2024-08-06. Review status: criteria provided, single submitter. Criteria: ACMG Guidelines, 2015. Collection method: clinical testing. Allele origin: germline. Inheritance: Autosomal dominant inheritance. Observed: 5 variant alleles, 5 heterozygotes.
Comment: This missense variant replaces arginine with histidine at codon 954 of the KCNH2 protein. Computational prediction is inconclusive regarding the impact of this variant on protein structure and function (internally defined REVEL score threshold 0.5 < inconclusive < 0.7, PMID: 27666373). Splice site prediction tools suggest that this variant may not impact RNA splicing. To our knowledge, functional studies have not been performed for this variant. This variant has been identified in an individual affected with long QT syndrome (PMID: 27026747). This variant has been identified in 4/225324 chromosomes in the general population by the Genome Aggregation Database (gnomAD). The available evidence is insufficient to determine the role of this variant in disease conclusively. Therefore, this variant is classified as a Variant of Uncertain Significance.

This study involves interpretation of variants in research participants for the purpose of population health screening. Participant phenotype was not available at the time of variant classification. Additional details can be found in publication PMID: 35346344, PMCID: PMC8962531

Literature cited by the submitters: PubMed 27026747 (cited by 3 submitters).